The following is an entry in ClinVar:

ClinVar aggregate classification (germline): Uncertain significance. Review status: criteria provided, multiple submitters, no conflicts (2 of 4 stars). 2 submissions from 2 submitters: Uncertain significance (2). Last evaluated 2025-12-24.

Conditions:
Inborn genetic diseases. Identifiers: MedGen C0950123, MeSH D030342.

Allele frequency attached by ClinVar (database versions not stated): gnomAD 0.00001; ExAC 0.00002; TOPMed 0.00002.
gnomAD v4.1: 12 of 1,609,934 alleles (0.00075%); highest among the groups gnomAD compares: Admixed American, 0.0017%; no homozygotes.

Submissions (2):

Labcorp Genetics (formerly Invitae), Labcorp
Classification: Uncertain significance. Last evaluated: 2025-12-24. Review status: criteria provided, single submitter. Criteria: Invitae Variant Classification Sherloc (09022015). Collection method: clinical testing. Allele origin: germline.
Comment: This sequence change replaces arginine, which is basic and polar, with glutamine, which is neutral and polar, at codon 132 of the CFHR5 protein (p.Arg132Gln). This variant is present in population databases (rs777447274, gnomAD 0.003%). This variant has not been reported in the literature in individuals affected with CFHR5-related conditions. ClinVar contains an entry for this variant (Variation ID: 2418637). An algorithm developed to predict the effect of missense changes on protein structure and function (PolyPhen-2) suggests that this variant is likely to be tolerated. Algorithms developed to predict the effect of sequence changes on RNA splicing suggest that this variant may disrupt the consensus splice site. In summary, the available evidence is currently insufficient to determine the role of this variant in disease. Therefore, it has been classified as a Variant of Uncertain Significance.

Ambry Genetics
Classification: Uncertain significance for Inborn genetic diseases. Last evaluated: 2025-03-08. Review status: criteria provided, single submitter. Criteria: Ambry Variant Classification Scheme 2023. Collection method: clinical testing. Allele origin: germline.

NM_030787.4(CFHR5):c.395G>A (p.Arg132Gln)

Gene: CFHR5 (complement factor H related 5; plus strand). Cytogenetic location: 1q31.3.
Variant type: single nucleotide variant.
Coding change: c.395G>A on transcript NM_030787.4 (MANE Select); coding-DNA position 395, G replaced by A.
Protein change: p.Arg132Gln; replaces arginine 132 with glutamine.
Molecular consequence: missense variant.
Genome position (GRCh38, 1-based): chr1:196,984,102, G>A. VCF-style: chr1-196984102-G-A. GRCh37 (hg19) VCF-style: chr1-196953232-G-A.
Other names: short protein forms R132Q.
Identifiers: ClinVar variation 2418637 (VCV002418637.6), dbSNP rs777447274, ClinGen allele CA1307718.